The following is an entry in ClinVar:

ClinVar aggregate classification (germline): Uncertain significance (1 of 4 stars; one submission).

gnomAD v4.1: 4 of 1,613,824 alleles (0.00025%); highest among the groups gnomAD compares: Admixed American, 0.005%; no homozygotes.

Submission:

Labcorp Genetics (formerly Invitae), Labcorp
Classification: Uncertain significance. Last evaluated: 2025-06-03. Review status: criteria provided, single submitter. Criteria: Invitae Variant Classification Sherloc (09022015). Collection method: clinical testing. Allele origin: germline.
Comment: This sequence change replaces proline, which is neutral and non-polar, with leucine, which is neutral and non-polar, at codon 265 of the WDR11 protein (p.Pro265Leu). This variant is not present in population databases (gnomAD no frequency). This variant has not been reported in the literature in individuals affected with WDR11-related conditions. ClinVar contains an entry for this variant (Variation ID: 3604450). An algorithm developed to predict the effect of missense changes on protein structure and function (PolyPhen-2) suggests that this variant is likely to be disruptive. In summary, the available evidence is currently insufficient to determine the role of this variant in disease. Therefore, it has been classified as a Variant of Uncertain Significance.

NM_018117.12(WDR11):c.794C>T (p.Pro265Leu)

Gene: WDR11 (WD repeat domain 11; plus strand). Cytogenetic location: 10q26.12.
Variant type: single nucleotide variant.
Coding change: c.794C>T on transcript NM_018117.12 (MANE Select); coding-DNA position 794, C replaced by T.
Protein change: p.Pro265Leu; replaces proline 265 with leucine.
Molecular consequence: missense variant.
Genome position (GRCh38, 1-based): chr10:120,865,127, C>T. VCF-style: chr10-120865127-C-T. GRCh37 (hg19) VCF-style: chr10-122624639-C-T.
Other names: short protein forms P265L.
Identifiers: ClinVar variation 3604450 (VCV003604450.2).
Genomic context (GRCh38, chr10:120,865,127, plus strand): 5'-ATGATTGCCTTCAGTTGGCATACCTGCCTTCAAAAAGGAATCACATGTTGTTGCTCTATC[C>T]TCGAGAGATTTTAATCCTTGACCTTGAGGTGAATCAGACGGTGGGTGTGATTGCAATAGA-3'
Protein context (NP_060587.8, residues 255-275): SKRNHMLLLY[Pro265Leu]REILILDLEV